The following is an entry in ClinVar:

ClinVar aggregate classification (germline): Uncertain significance (1 of 4 stars; one submission).

Allele frequency attached by ClinVar (database versions not stated): TOPMed 0.00003; gnomAD exomes 0.00004; ExAC 0.00006; gnomAD 0.00006 and 0.00008.

Submission:

Labcorp Genetics (formerly Invitae), Labcorp
Classification: Uncertain significance. Last evaluated: 2026-01-22. Review status: criteria provided, single submitter. Criteria: Invitae Variant Classification Sherloc (09022015). Collection method: clinical testing. Allele origin: germline.
Comment: This sequence change creates a premature translational stop signal (p.Tyr126*) in the GUCY2C gene. It is expected to result in an absent or disrupted protein product. However, the current clinical and genetic evidence is not sufficient to establish whether loss-of-function variants in GUCY2C cause disease. This variant is present in population databases (rs776468757, gnomAD 0.008%). This variant has not been reported in the literature in individuals affected with GUCY2C-related conditions. ClinVar contains an entry for this variant (Variation ID: 1423353). In summary, the available evidence is currently insufficient to determine the role of this variant in disease. Therefore, it has been classified as a Variant of Uncertain Significance.

NM_004963.4(GUCY2C):c.377dup (p.Tyr126Ter)

Genes: GUCY2C (guanylate cyclase 2C; minus strand), GUCY2C-AS1 (GUCY2C antisense RNA 1; plus strand). Cytogenetic location: 12p12.3.
Variant type: Duplication.
Coding change: c.377dup on transcript NM_004963.4 (MANE Select); coding-DNA position 377, one base duplicated (A; older notation c.377dupA).
Protein change: p.Tyr126Ter; replaces tyrosine 126 with a stop codon.
Molecular consequence: nonsense.
Genome position (GRCh38, 1-based): chr12:14,686,179, T duplicated on the plus strand (A on the coding strand, the reverse complement: GUCY2C is on the minus strand). VCF-style (leftmost placement, unchanged base first): chr12-14686178-G-GT. GRCh37 (hg19) VCF-style: chr12-14839112-G-GT.
Other names: short protein forms Y126*.
Identifiers: ClinVar variation 1423353 (VCV001423353.6), dbSNP rs776468757, ClinGen allele CA6463760.